The following is an entry in ClinVar:

ClinVar aggregate classification (germline): Pathogenic/Likely pathogenic. Review status: criteria provided, multiple submitters, no conflicts (2 of 4 stars). 3 submissions from 3 submitters: Pathogenic (1); Likely pathogenic (2). Last evaluated 2026-01-23.

Conditions:
Retinitis pigmentosa 4 (RP4). Also called: RETINITIS PIGMENTOSA, RHODOPSIN-RELATED. Identifiers: Orphanet 791, MedGen C3151001, MONDO:0013395, OMIM 613731.
Retinal disorder. Also called: Retinopathy; Retinal disorders; Retinopathies; Retinal Diseases. Identifiers: MedGen C0035309, MONDO:0005283, HP:0000488.

Submissions (3):

North West Genomic Laboratory Hub, Manchester University NHS Foundation Trust
Classification: Likely pathogenic for Retinal disorders. Last evaluated: 2026-01-23. Review status: criteria provided, single submitter. Criteria: ACGS Best Practice Guidelines for Variant Classification in Rare Disease 2024. Collection method: clinical testing. Allele origin: germline. Affected: yes.
Comment: PM5_Str PS4_Supp PP4_Supp PM2_Mod

Labcorp Genetics (formerly Invitae), Labcorp
Classification: Pathogenic. Last evaluated: 2025-04-08. Review status: criteria provided, single submitter. Criteria: Invitae Variant Classification Sherloc (09022015). Collection method: clinical testing. Allele origin: germline.
Comment: This sequence change replaces proline, which is neutral and non-polar, with leucine, which is neutral and non-polar, at codon 180 of the RHO protein (p.Pro180Leu). This variant is not present in population databases (gnomAD no frequency). This missense change has been observed in individuals with clinical features of autosomal dominant retinitis pigmentosa (PMID: 33247286). ClinVar contains an entry for this variant (Variation ID: 984782). Invitae Evidence Modeling of protein sequence and biophysical properties (such as structural, functional, and spatial information, amino acid conservation, physicochemical variation, residue mobility, and thermodynamic stability) indicates that this missense variant is expected to disrupt RHO protein function with a positive predictive value of 95%. This variant disrupts the p.Pro180 amino acid residue in RHO. Other variant(s) that disrupt this residue have been determined to be pathogenic (PMID: 11139241, 17014888, 22334370, 30240733; internal data). This suggests that this residue is clinically significant, and that variants that disrupt this residue are likely to be disease-causing. For these reasons, this variant has been classified as Pathogenic.

Centre for Genomic Medicine, Manchester, Central Manchester University Hospitals
Classification: Likely pathogenic for Retinitis pigmentosa 4. Last evaluated: 2020-09-01. Review status: criteria provided, single submitter. Criteria: ACMG Guidelines, 2015. Collection method: clinical testing. Allele origin: germline. Affected: yes. Observed: 1 heterozygote.

Literature cited by the submitters: PubMed 33247286 (cited by Labcorp Genetics (formerly Invitae), Labcorp); PubMed 11139241 (cited by Labcorp Genetics (formerly Invitae), Labcorp); PubMed 17014888 (cited by Labcorp Genetics (formerly Invitae), Labcorp); PubMed 22334370 (cited by Labcorp Genetics (formerly Invitae), Labcorp); PubMed 30240733 (cited by Labcorp Genetics (formerly Invitae), Labcorp).

NM_000539.3(RHO):c.539C>T (p.Pro180Leu)

Gene: RHO (rhodopsin; plus strand). Cytogenetic location: 3q22.1.
Variant type: single nucleotide variant.
Coding change: c.539C>T on transcript NM_000539.3 (MANE Select); coding-DNA position 539, C replaced by T.
Protein change: p.Pro180Leu; replaces proline 180 with leucine.
Molecular consequence: missense variant.
Genome position (GRCh38, 1-based): chr3:129,532,259, C>T. VCF-style: chr3-129532259-C-T. GRCh37 (hg19) VCF-style: chr3-129251102-C-T.
Other names: short protein forms P180L.
Identifiers: ClinVar variation 984782 (VCV000984782.9), dbSNP rs2084785483, ClinGen allele CA354499117.